The following is an entry in ClinVar:

NM_014254.3(RXYLT1):c.1291A>G (p.Asn431Asp)

Genes: RXYLT1 (ribitol xylosyltransferase 1; plus strand), RXYLT1-AS1 (RXYLT1 antisense RNA 1; minus strand). Cytogenetic location: 12q14.2.
Variant type: single nucleotide variant.
Coding change: c.1291A>G on transcript NM_014254.3 (MANE Select); coding-DNA position 1291, A replaced by G.
Protein change: p.Asn431Asp; replaces asparagine 431 with aspartic acid.
Molecular consequence: missense variant.
Genome position (GRCh38, 1-based): chr12:63,809,051, A>G. VCF-style: chr12-63809051-A-G. GRCh37 (hg19) VCF-style: chr12-64202831-A-G.
Other names: c.511A>G, p.Asn171Asp (NM_001278237.2); short protein forms N171D, N431D.
Identifiers: ClinVar variation 2018475 (VCV002018475.1), dbSNP rs2500534487, ClinGen allele CA385660616.

ClinVar aggregate classification (germline): Uncertain significance (1 of 4 stars; one submission).

Allele frequency attached by ClinVar (database versions not stated): gnomAD exomes below 0.00001.
gnomAD v4.1: 5 of 1,567,252 alleles (0.00032%); highest among the groups gnomAD compares: Non-Finnish European, 0.00035%; no homozygotes.

Submission:

Labcorp Genetics (formerly Invitae), Labcorp
Classification: Uncertain significance. Last evaluated: 2022-03-04. Review status: criteria provided, single submitter. Criteria: Invitae Variant Classification Sherloc (09022015). Collection method: clinical testing. Allele origin: germline.
Comment: This sequence change replaces asparagine, which is neutral and polar, with aspartic acid, which is acidic and polar, at codon 431 of the RXYLT1 protein (p.Asn431Asp). This variant is not present in population databases (gnomAD no frequency). This variant has not been reported in the literature in individuals affected with RXYLT1-related conditions. Algorithms developed to predict the effect of missense changes on protein structure and function output the following: SIFT: "Tolerated"; PolyPhen-2: "Benign"; Align-GVGD: "Class C0". The aspartic acid amino acid residue is found in multiple mammalian species, which suggests that this missense change does not adversely affect protein function. In summary, the available evidence is currently insufficient to determine the role of this variant in disease. Therefore, it has been classified as a Variant of Uncertain Significance.